The following is an entry in ClinVar:

ClinVar aggregate classification (germline): Uncertain significance (1 of 4 stars; one submission).

Submission:

Women's Health and Genetics/Laboratory Corporation of America, LabCorp
Classification: Uncertain significance. Last evaluated: 2024-01-31. Review status: criteria provided, single submitter. Criteria: LabCorp Variant Classification Summary - May 2015. Collection method: clinical testing. Allele origin: germline.
Comment: Variant summary: HNF1B c.*111G>C is located in the untranslated mRNA region downstream of the termination codon. The variant was absent in 245390 control chromosomes. The available data on variant occurrences in the general population are insufficient to allow any conclusion about variant significance. To our knowledge, no occurrence of c.*111G>C in individuals affected with Maturity Onset Diabetes Of The Young 5 (Renal Cysts And Diabetes Syndrome) and no experimental evidence demonstrating its impact on protein function have been reported. No submitters have cited clinical-significance assessments for this variant to ClinVar. Based on the evidence outlined above, the variant was classified as uncertain significance.

NM_000458.4(HNF1B):c.*111G>C

Gene: HNF1B (HNF1 homeobox B; minus strand). Cytogenetic location: 17q12.
Variant type: single nucleotide variant.
Coding change: c.*111G>C on transcript NM_000458.4 (MANE Select); 111 bases downstream of the stop codon, G replaced by C.
Molecular consequence: 3 prime UTR variant.
Genome position (GRCh38, 1-based): chr17:37,687,261, C>G on the plus strand (G>C on the coding strand, the complement: HNF1B is on the minus strand). VCF-style: chr17-37687261-C-G. GRCh37 (hg19) VCF-style: chr17-36047264-C-G.
Other names: c.*111G>C (NM_001165923.4); c.*19G>C (NM_001304286.2, NM_001411100.1).
Identifiers: ClinVar variation 3063725 (VCV003063725.1), dbSNP rs2511669459, ClinGen allele CA2637445577.
Genomic context (GRCh38, chr17:37,687,261, plus strand): 5'-CCTCCTGAGAGTGGATTGTCTGAGGTGCCAGCAGGACGTCCGTCAGGTAAGCAGGGACCT[C>G]TCGCAGGTGCTGGTCAGGTCACTGGGCTTTTCCATGACAGCTGCCCAGAGGGTGATGGTG-3'